The following is an entry in ClinVar:

ClinVar aggregate classification (germline): Uncertain significance (1 of 4 stars; one submission).

Allele frequency attached by ClinVar (database versions not stated): ExAC 0.00001; TOPMed below 0.00001.
gnomAD v4.1: 4 of 1,211,762 alleles (0.00033%); highest among the groups gnomAD compares: Non-Finnish European, 0.00045%; no homozygotes.

Submission:

Labcorp Genetics (formerly Invitae), Labcorp
Classification: Uncertain significance. Last evaluated: 2023-12-02. Review status: criteria provided, single submitter. Criteria: Invitae Variant Classification Sherloc (09022015). Collection method: clinical testing. Allele origin: germline.
Comment: This sequence change replaces serine, which is neutral and polar, with arginine, which is basic and polar, at codon 325 of the CFP protein (p.Ser325Arg). This variant is present in population databases (rs756621805, gnomAD 0.001%). This variant has not been reported in the literature in individuals affected with CFP-related conditions. Advanced modeling of protein sequence and biophysical properties (such as structural, functional, and spatial information, amino acid conservation, physicochemical variation, residue mobility, and thermodynamic stability) has been performed at Invitae for this missense variant, however the output from this modeling did not meet the statistical confidence thresholds required to predict the impact of this variant on CFP protein function. In summary, the available evidence is currently insufficient to determine the role of this variant in disease. Therefore, it has been classified as a Variant of Uncertain Significance.

NM_001145252.3(CFP):c.975C>A (p.Ser325Arg)

Gene: CFP (complement factor properdin; minus strand). Cytogenetic location: Xp11.23.
Variant type: single nucleotide variant.
Coding change: c.975C>A on transcript NM_001145252.3 (MANE Select); coding-DNA position 975, C replaced by A.
Protein change: p.Ser325Arg; replaces serine 325 with arginine.
Molecular consequence: missense variant.
Genome position (GRCh38, 1-based): chrX:47,626,485, G>T on the plus strand (C>A on the coding strand, the complement: CFP is on the minus strand). VCF-style: chrX-47626485-G-T. GRCh37 (hg19) VCF-style: chrX-47485884-G-T.
Other names: c.975C>A, p.Ser325Arg (NM_002621.2); short protein forms S325R.
Identifiers: ClinVar variation 2798684 (VCV002798684.3), dbSNP rs756621805, ClinGen allele CA10398867.
Genomic context (GRCh38, chrX:47,626,485, plus strand): 5'-TGACTGCTGGCCCGGGATTTCTTGACAGCTGATGGACTTCATGTTCCGTCGGATACAGGG[G>T]CTCCACTCCCCCCACGAGTCCCACTCCCCATCCACTGCAGAGACAGGGCAACAGGGGATT-3'
Protein context (NP_001138724.1, residues 315-335): DGEWDSWGEW[Ser325Arg]PCIRRNMKSI